The following is an entry in ClinVar:

ClinVar aggregate classification (germline): Uncertain significance. Review status: criteria provided, multiple submitters, no conflicts (2 of 4 stars). 2 submissions from 2 submitters: Uncertain significance (2). Last evaluated 2024-12-28.

gnomAD v4.1: 82 of 1,614,052 alleles (0.0051%); highest among the groups gnomAD compares: Non-Finnish European, 0.003%; 3 homozygotes.

Submissions (2):

Ambry Genetics
Classification: Uncertain significance. Last evaluated: 2024-12-28. Review status: criteria provided, single submitter. Criteria: Ambry Variant Classification Scheme 2023. Collection method: clinical testing. Allele origin: germline.

Labcorp Genetics (formerly Invitae), Labcorp
Classification: Uncertain significance. Last evaluated: 2024-10-23. Review status: criteria provided, single submitter. Criteria: Invitae Variant Classification Sherloc (09022015). Collection method: clinical testing. Allele origin: germline.
Comment: This sequence change replaces isoleucine, which is neutral and non-polar, with valine, which is neutral and non-polar, at codon 1918 of the FAT2 protein (p.Ile1918Val). This variant is present in population databases (rs778588073, gnomAD 0.005%). This variant has not been reported in the literature in individuals affected with FAT2-related conditions. An algorithm developed to predict the effect of missense changes on protein structure and function (PolyPhen-2) suggests that this variant is likely to be tolerated. In summary, the available evidence is currently insufficient to determine the role of this variant in disease. Therefore, it has been classified as a Variant of Uncertain Significance.

NM_001447.3(FAT2):c.5752A>G (p.Ile1918Val)

Genes: FAT2 (FAT atypical cadherin 2; minus strand), SLC36A1 (solute carrier family 36 member 1; plus strand). Cytogenetic location: 5q33.1.
Variant type: single nucleotide variant.
Coding change: c.5752A>G on transcript NM_001447.3 (MANE Select); coding-DNA position 5752, A replaced by G.
Protein change: p.Ile1918Val; replaces isoleucine 1918 with valine.
Molecular consequence: missense variant.
Genome position (GRCh38, 1-based): chr5:151,545,375, T>C on the plus strand (A>G on the coding strand, the complement: FAT2 is on the minus strand). VCF-style: chr5-151545375-T-C. GRCh37 (hg19) VCF-style: chr5-150924936-T-C.
Other names: c.5752A>G (NM_001447.2); short protein forms I1918V.
Identifiers: ClinVar variation 3605415 (VCV003605415.3).